The following is an entry in ClinVar:

NM_001457.4(FLNB):c.2096G>A (p.Arg699Gln)

Gene: FLNB (filamin B; plus strand). Cytogenetic location: 3p14.3.
Variant type: single nucleotide variant.
Coding change: c.2096G>A on transcript NM_001457.4 (MANE Select); coding-DNA position 2096, G replaced by A.
Protein change: p.Arg699Gln; replaces arginine 699 with glutamine.
Molecular consequence: missense variant.
Genome position (GRCh38, 1-based): chr3:58,109,219, G>A. VCF-style: chr3-58109219-G-A. GRCh37 (hg19) VCF-style: chr3-58094946-G-A.
Other names: c.2096G>A, p.Arg699Gln (NM_001164317.2, NM_001164318.2, NM_001164319.2); short protein forms R699Q.
Identifiers: ClinVar variation 439737 (VCV000439737.16), dbSNP rs752842243, ClinGen allele CA2468023.
Genomic context (GRCh38, chr3:58,109,219, plus strand): 5'-TAGCTCTGGCTTTTTTGCAGGATGGGGAAGGCCAACGCATTGACATCCAGATGAAGAACC[G>A]GATGGACGGCACATATGCATGCTCATACACCCCGGTGAAGGCCATCAAGCACACCATTGC-3'
Protein context (NP_001448.2, residues 689-709): GQRIDIQMKN[Arg699Gln]MDGTYACSYT

ClinVar aggregate classification (germline): Conflicting classifications of pathogenicity. Review status: criteria provided, conflicting classifications (1 of 4 stars). 4 submissions from 4 submitters: Uncertain significance (3); Likely benign (1). Last evaluated 2026-02-18.

Allele frequency attached by ClinVar (database versions not stated): gnomAD 0.00004 and 0.00005; ExAC 0.00006; gnomAD exomes 0.00008; TOPMed 0.00008.

Submissions (4):

Women's Health and Genetics/Laboratory Corporation of America, LabCorp
Classification: Uncertain significance. Last evaluated: 2026-02-18. Review status: criteria provided, single submitter. Criteria: LabCorp Variant Classification Summary - May 2015. Collection method: clinical testing. Allele origin: germline.
Comment: Variant summary: FLNB c.2096G>A (p.Arg699Gln) results in a conservative amino acid change in the encoded protein sequence. Algorithms developed to predict the effect of missense changes on protein structure and function are either unavailable or do not agree on the potential impact of this missense change. The variant allele was found at a frequency of 7.6e-05 in 251308 control chromosomes. This frequency is not significantly higher than estimated for disease-causing variants in FLNB, allowing no conclusion about variant significance. To our knowledge, no occurrence of c.2096G>A in individuals affected with FLNB-related conditions and no experimental evidence demonstrating its impact on protein function have been reported. ClinVar contains an entry for this variant (Variation ID: 439737). Based on the evidence outlined above, the variant was classified as uncertain significance.

Labcorp Genetics (formerly Invitae), Labcorp
Classification: Likely benign. Last evaluated: 2025-11-27. Review status: criteria provided, single submitter. Criteria: Invitae Variant Classification Sherloc (09022015). Collection method: clinical testing. Allele origin: germline.

GeneDx
Classification: Uncertain significance. Last evaluated: 2019-12-16. Review status: criteria provided, single submitter. Criteria: GeneDx Variant Classification Process June 2021. Collection method: clinical testing. Allele origin: germline. Affected: yes.
Comment: In silico analysis, which includes protein predictors and evolutionary conservation, supports that this variant does not alter protein structure/function; Has not been previously published as pathogenic or benign to our knowledge

ARUP Laboratories, Molecular Genetics and Genomics, ARUP Laboratories
Classification: Uncertain significance. Last evaluated: 2017-11-07. Review status: criteria provided, single submitter. Criteria: ARUP Molecular Germline Variant Investigation Process. Collection method: clinical testing. Allele origin: germline.
Comment: The FLNB c.2096G>A, p.Arg699Gln variant (rs752842243) has not been reported in the medical literature, but is listed in ClinVar (Variation ID: 439737). It is observed in the Genome Aggregation Database general population database at a frequency of 0.008 percent (22/277044 alleles). The arginine at position 699 is moderately conserved (Alamut v2.10), but computational algorithms (Align GVGD, PolyPhen-2, SIFT) predict that the variant has minimal impact on FLNB protein structure of function. Due to the limited information regarding the p.Arg669Gln variant, its clinical significance could not be determined with certainty. References: Genome Aggregation Database